The following is an entry in ClinVar:

ClinVar aggregate classification (germline): Likely pathogenic (1 of 4 stars; one submission).

Conditions:
Usher syndrome type 2A. Also called: RETINAL DISEASE IN USHER SYNDROME TYPE IIA, MODIFIER OF; USHER SYNDROME, TYPE IIA. Identifiers: Orphanet 231178, Orphanet 886, MedGen C1848634, MONDO:0010169, OMIM 276901.

Submission:

Natera, Inc.
Classification: Likely pathogenic for Usher syndrome type 2A. Last evaluated: 2025-11-13. Review status: criteria provided, single submitter. Criteria: Natera Variant Classification Schema (03/2026). Collection method: clinical testing. Allele origin: germline.
Comment: The c.5168-1G>A variant in USH2A is a canonical splice acceptor site variant predicted to affect pre-mRNA splicing, which may result in an abnormal transcript and altered protein product. This variant is expected to result in nonsense mediated decay, truncation, or a dysfunctional protein product. This variant is rare in the general population with a frequency below the threshold expected for the associated phenotype(s). Given the available evidence, this variant is classified as Likely Pathogenic.

NM_206933.4(USH2A):c.5168-1G>A

Genes: USH2A (usherin; minus strand), USH2A-AS2 (USH2A antisense RNA 2; plus strand). Cytogenetic location: 1q41.
Variant type: single nucleotide variant.
Coding change: c.5168-1G>A on transcript NM_206933.4 (MANE Select); the canonical splice acceptor site of the intron before coding-DNA position 5168, G replaced by A.
Molecular consequence: splice acceptor variant.
Genome position (GRCh38, 1-based): chr1:216,083,587, C>T on the plus strand (G>A on the coding strand, the complement: USH2A is on the minus strand). VCF-style: chr1-216083587-C-T. GRCh37 (hg19) VCF-style: chr1-216256929-C-T.
Identifiers: ClinVar variation 4817129 (VCV004817129.1).